The following is an entry in ClinVar:

NM_001267550.2(TTN):c.81726del (p.Glu27242fs)

Genes: TTN (titin; minus strand), TTN-AS1 (TTN antisense RNA 1; plus strand). Cytogenetic location: 2q31.2.
Variant type: Deletion.
Coding change: c.81726del on transcript NM_001267550.2 (MANE Select); coding-DNA position 81726, one base deleted (A; older notation c.81726delA).
Protein change: p.Glu27242fs; shifts the reading frame from glutamic acid 27242.
Molecular consequence: frameshift variant.
Genome position (GRCh38, 1-based): chr2:178,564,406, T deleted on the plus strand (A on the coding strand, the reverse complement: TTN is on the minus strand); the first of 2 consecutive T bases (chr2:178,564,406-178,564,407); deleting either gives the same sequence. VCF-style (leftmost placement, unchanged base first): chr2-178564405-AT-A. GRCh37 (hg19) VCF-style: chr2-179429132-AT-A.
Other names: c.76803del, p.Glu25601fs (NM_001256850.1); c.54531del, p.Glu18177fs (NM_003319.4); c.74022del, p.Glu24674fs (NM_133378.4); c.54906del, p.Glu18302fs (NM_133432.3); c.55107del, p.Glu18369fs (NM_133437.4); short protein forms E18177fs, E18302fs, E18369fs, E24674fs, E25601fs, E27242fs.
Identifiers: ClinVar variation 3338358 (VCV003338358.1).

ClinVar aggregate classification (germline): Likely pathogenic (1 of 4 stars; one submission).

Conditions:
Primary dilated cardiomyopathy (DCM). Also called: Dilated Cardiomyopathy. Identifiers: Orphanet 217604, MedGen C0007193, MeSH D002311, MONDO:0005021, HP:0001644. Inheritance: Various modes of inheritance.

Submission:

Lildballe Lab, Aarhus University Hospital
Classification: Likely pathogenic for dilated cardiomyopathy. Last evaluated: 2024-03-01. Review status: criteria provided, single submitter. Criteria: ACMG Guidelines, 2015. Collection method: research. Allele origin: germline. Affected: yes.
Comment: PVS1(vs), PM2(sup)

Literature cited by the submitters: PubMed 25741942; PubMed 39481677.